The following is an entry in ClinVar:

ClinVar aggregate classification (germline): Pathogenic (1 of 4 stars; one submission).

Conditions:
Neurofibromatosis, type 2 (SWNV). Also called: BILATERAL ACOUSTIC NEUROFIBROMATOSIS; SCHWANNOMATOSIS, VESTIBULAR; NF2-Related Schwannomatosis. Identifiers: Orphanet 637, MedGen C0027832, MONDO:0007039, OMIM 101000. Disease mechanism: loss of function.

Submission:

Labcorp Genetics (formerly Invitae), Labcorp
Classification: Pathogenic for Neurofibromatosis, type 2. Last evaluated: 2019-12-03. Review status: criteria provided, single submitter. Criteria: Invitae Variant Classification Sherloc (09022015). Collection method: clinical testing. Allele origin: germline.
Comment: This sequence change creates a premature translational stop signal (p.Glu404*) in the NF2 gene. It is expected to result in an absent or disrupted protein product. For these reasons, this variant has been classified as Pathogenic. Loss-of-function variants in NF2 are known to be pathogenic (PMID: 9643284, 16983642). This variant has not been reported in the literature in individuals with NF2-related conditions. This variant is not present in population databases (ExAC no frequency).

Literature cited by the submitters: PubMed 9643284; PubMed 16983642.

NM_000268.4(NF2):c.1210G>T (p.Glu404Ter)

Gene: NF2 (NF2, moesin-ezrin-radixin like (MERLIN) tumor suppressor; plus strand). Cytogenetic location: 22q12.2.
Variant type: single nucleotide variant.
Coding change: c.1210G>T on transcript NM_000268.4 (MANE Select); coding-DNA position 1210, G replaced by T.
Protein change: p.Glu404Ter; replaces glutamic acid 404 with a stop codon.
Molecular consequence: nonsense. On other transcripts: non-coding transcript variant (1), intron variant (1).
Genome position (GRCh38, 1-based): chr22:29,673,356, G>T. VCF-style: chr22-29673356-G-T. GRCh37 (hg19) VCF-style: chr22-30069345-G-T.
Other names: c.1210G>T, p.Glu404Ter (NM_016418.5, NM_181825.3, NM_181832.3); c.1084G>T, p.Glu362Ter (NM_181828.3); c.1087G>T, p.Glu363Ter (NM_181829.3); c.961G>T, p.Glu321Ter (NM_181830.3, NM_181831.3); c.448-21396G>T (NM_181833.3); short protein forms E321*, E363*, E404*, E362*.
Identifiers: ClinVar variation 862341 (VCV000862341.8), dbSNP rs2066861383, ClinGen allele CA411148165.
Genomic context (GRCh38, chr22:29,673,356, plus strand): 5'-TTGGCTGAAAAGGCCCAGATCACCGAGGAGGAGGCAAAACTTCTGGCCCAGAAGGCCGCA[G>T]AGGCTGAGCAGGAAATGCAGCGCATCAAGGCCACAGCGATTCGCACGGAGGAGGAGAAGC-3'